The following is an entry in ClinVar:

ClinVar aggregate classification (germline): Benign. Review status: criteria provided, multiple submitters, no conflicts (2 of 4 stars). 4 submissions from 4 submitters: Benign (4). Last evaluated 2026-09-01.

Conditions:
Sclerosteosis 1 (SOST1). Also called: CORTICAL HYPEROSTOSIS WITH SYNDACTYLY. Identifiers: Orphanet 3152, MedGen C4551483, MONDO:0010016, OMIM 269500.

Allele frequency attached by ClinVar (database versions not stated): 1000 Genomes Project 0.00739; 1000 Genomes Project 30x 0.00843; ExAC 0.01064; gnomAD 0.01089 and 0.01107; gnomAD exomes 0.01103; TOPMed 0.01176; ESP Exome Variant Server 0.01361.
gnomAD v4.1: 22,682 of 1,613,708 alleles (1.4%); highest among the groups gnomAD compares: Middle Eastern, 3.1%; 178 homozygotes.

Submissions (4):

CeGaT Center for Human Genetics Tuebingen
Classification: Benign. Last evaluated: 2026-09-01. Review status: criteria provided, single submitter. Criteria: CeGaT Center For Human Genetics Tuebingen Variant Classification Criteria Version 2. Collection method: clinical testing. Allele origin: germline. Affected: yes. Observed: 3 variant alleles.
Comment: SOST: BP4, BS1, BS2

Labcorp Genetics (formerly Invitae), Labcorp
Classification: Benign. Last evaluated: 2026-01-26. Review status: criteria provided, single submitter. Criteria: Invitae Variant Classification Sherloc (09022015). Collection method: clinical testing. Allele origin: germline.

Illumina Laboratory Services, Illumina
Classification: Benign for Sclerosteosis 1. Last evaluated: 2018-01-13. Review status: criteria provided, single submitter. Criteria: ICSL Variant Classification Criteria 13 December 2019. Collection method: clinical testing. Allele origin: germline.
Comment: This variant was observed in the ICSL laboratory as part of a predisposition screen in an ostensibly healthy population. It had not been previously curated by ICSL or reported in the Human Gene Mutation Database (HGMD: prior to June 1st, 2018), and was therefore a candidate for classification through an automated scoring system. Utilizing variant allele frequency, disease prevalence and penetrance estimates, and inheritance mode, an automated score was calculated to assess if this variant is too frequent to cause the disease. Based on the score and internal cut-off values, a variant classified as benign is not then subjected to further curation. The score for this variant resulted in a classification of benign for this disease.

Breakthrough Genomics
Classification: Benign. Review status: criteria provided, single submitter. Criteria: ACMG Guidelines, 2015. Collection method: not provided. Allele origin: germline. Inheritance: Autosomal recessive inheritance. Affected: yes.

NM_025237.3(SOST):c.28G>A (p.Val10Ile)

Gene: SOST (sclerostin; minus strand). Cytogenetic location: 17q21.31.
Variant type: single nucleotide variant.
Coding change: c.28G>A on transcript NM_025237.3 (MANE Select); coding-DNA position 28, G replaced by A.
Protein change: p.Val10Ile; replaces valine 10 with isoleucine.
Molecular consequence: missense variant.
Genome position (GRCh38, 1-based): chr17:43,758,714, C>T on the plus strand (G>A on the coding strand, the complement: SOST is on the minus strand). VCF-style: chr17-43758714-C-T. GRCh37 (hg19) VCF-style: chr17-41836082-C-T.
Other names: short protein forms V10I.
Identifiers: ClinVar variation 323442 (VCV000323442.33), dbSNP rs17882143, ClinGen allele CA8592903.